The following is an entry in ClinVar:

NM_002471.4(MYH6):c.4064C>T (p.Ala1355Val)

Gene: MYH6 (myosin heavy chain 6; minus strand). Cytogenetic location: 14q11.2.
Variant type: single nucleotide variant.
Coding change: c.4064C>T on transcript NM_002471.4 (MANE Select); coding-DNA position 4064, C replaced by T.
Protein change: p.Ala1355Val; replaces alanine 1355 with valine.
Molecular consequence: missense variant.
Genome position (GRCh38, 1-based): chr14:23,388,970, G>A on the plus strand (C>T on the coding strand, the complement: MYH6 is on the minus strand). VCF-style: chr14-23388970-G-A. GRCh37 (hg19) VCF-style: chr14-23858179-G-A.
Other names: short protein forms A1355V.
Identifiers: ClinVar variation 44503 (VCV000044503.4), dbSNP rs397516767, ClinGen allele CA134379.

ClinVar aggregate classification (germline): Uncertain significance (1 of 4 stars; one submission).

Submission:

Laboratory for Molecular Medicine, Mass General Brigham Personalized Medicine
Classification: Uncertain significance. Last evaluated: 2012-11-07. Review status: criteria provided, single submitter. Criteria: LMM Criteria. Collection method: clinical testing. Allele origin: germline. Observed: 1 variant allele.
Comment: The Ala1355Val variant in MYH6 has not been reported in the literature nor previ ously identified by our laboratory. Computational analyses (biochemical amino a cid properties, conservation, AlignGVGD, PolyPhen2, and SIFT) suggest that the A la1355Val variant may impact the protein, though this information is not predict ive enough to determine pathogenicity. Additional information is needed to fully assess the clinical significance of the Ala1355Val variant.